The following is an entry in ClinVar:

NM_016507.4(CDK12):c.224A>G (p.Asp75Gly)

Genes: CDK12 (cyclin dependent kinase 12; plus strand), LOC126862553 (CDK7 strongly-dependent group 2 enhancer GRCh37_chr17:37618166-37619365; plus strand). Cytogenetic location: 17q12.
Variant type: single nucleotide variant.
Coding change: c.224A>G on transcript NM_016507.4 (MANE Select); coding-DNA position 224, A replaced by G.
Protein change: p.Asp75Gly; replaces aspartic acid 75 with glycine.
Molecular consequence: missense variant.
Genome position (GRCh38, 1-based): chr17:39,462,295, A>G. VCF-style: chr17-39462295-A-G. GRCh37 (hg19) VCF-style: chr17-37618548-A-G.
Other names: c.224A>G, p.Asp75Gly (NM_015083.4); short protein forms D75G.
Identifiers: ClinVar variation 3830562 (VCV003830562.1).

ClinVar aggregate classification (germline): Uncertain significance (1 of 4 stars; one submission).

Submission:

Ambry Genetics
Classification: Uncertain significance. Last evaluated: 2025-01-25. Review status: criteria provided, single submitter. Criteria: Ambry Variant Classification Scheme 2023. Collection method: clinical testing. Allele origin: germline.
Comment: The p.D75G variant (also known as c.224A>G), located in coding exon 1 of the CDK12 gene, results from an A to G substitution at nucleotide position 224. The aspartic acid at codon 75 is replaced by glycine, an amino acid with similar properties. This amino acid position is conserved. In addition, the in silico prediction for this alteration is inconclusive. Based on the available evidence, the clinical significance of this variant remains unclear.